The following is an entry in ClinVar:

NM_001394062.1(MACF1):c.1603C>A (p.Pro535Thr)

Gene: MACF1 (microtubule actin crosslinking factor 1; plus strand). Cytogenetic location: 1p34.3.
Variant type: single nucleotide variant.
Coding change: c.1603C>A on transcript NM_001394062.1 (MANE Select); coding-DNA position 1603, C replaced by A.
Protein change: p.Pro535Thr; replaces proline 535 with threonine.
Molecular consequence: missense variant.
Genome position (GRCh38, 1-based): chr1:39,287,380, C>A. VCF-style: chr1-39287380-C-A. GRCh37 (hg19) VCF-style: chr1-39753052-C-A.
Other names: c.1618C>A, p.Pro540Thr (NM_012090.5); short protein forms P535T, P540T.
Identifiers: ClinVar variation 3906084 (VCV003906084.10).

ClinVar aggregate classification (germline): Uncertain significance (1 of 4 stars; one submission).

Submission:

CeGaT Center for Human Genetics Tuebingen
Classification: Uncertain significance. Last evaluated: 2025-06-01. Review status: criteria provided, single submitter. Criteria: CeGaT Center For Human Genetics Tuebingen Variant Classification Criteria Version 2. Collection method: clinical testing. Allele origin: germline. Affected: yes. Observed: 1 variant allele.
Comment: MACF1: PM2